The following is an entry in ClinVar:

NM_005896.4(IDH1):c.1092T>G (p.Ile364Met)

Gene: IDH1 (isocitrate dehydrogenase (NADP(+)) 1; minus strand). Cytogenetic location: 2q34.
Variant type: single nucleotide variant.
Coding change: c.1092T>G on transcript NM_005896.4 (MANE Select); coding-DNA position 1092, T replaced by G.
Protein change: p.Ile364Met; replaces isoleucine 364 with methionine.
Molecular consequence: missense variant.
Genome position (GRCh38, 1-based): chr2:208,239,133, A>C on the plus strand (T>G on the coding strand, the complement: IDH1 is on the minus strand). VCF-style: chr2-208239133-A-C. GRCh37 (hg19) VCF-style: chr2-209103857-A-C.
Other names: c.1092T>G, p.Ile364Met (NM_001282386.1, NM_001282387.1); short protein forms I364M.
Identifiers: ClinVar variation 3527492 (VCV003527492.1).
Genomic context (GRCh38, chr2:208,239,133, plus strand): 5'-GGGTAAACCTTTAATGCAAGCAGCCAAGTCCTTGGTCATGAAGCCAGCCTCAATTGTCTC[A>C]ATAGAGACTTCTTCCAAAGCATTTGCAAAGAAGGCAAGCTCTTTATTGTTATCAAGCTTT-3'
Protein context (NP_005887.2, residues 354-374): FFANALEEVS[Ile364Met]ETIEAGFMTK

ClinVar aggregate classification (germline): Uncertain significance (1 of 4 stars; one submission).

Submission:

Ambry Genetics
Classification: Uncertain significance. Last evaluated: 2024-11-16. Review status: criteria provided, single submitter. Criteria: Ambry Variant Classification Scheme 2023. Collection method: clinical testing. Allele origin: germline.
Comment: The p.I364M variant (also known as c.1092T>G), located in coding exon 7 of the IDH1 gene, results from a T to G substitution at nucleotide position 1092. The isoleucine at codon 364 is replaced by methionine, an amino acid with highly similar properties. This amino acid position is conserved. In addition, this alteration is predicted to be tolerated by in silico analysis. Based on the available evidence, the clinical significance of this variant remains unclear.